The following is an entry in ClinVar:

NM_182746.3(MCM4):c.307C>T (p.Pro103Ser)

Gene: MCM4 (minichromosome maintenance complex component 4; plus strand). Cytogenetic location: 8q11.21.
Variant type: single nucleotide variant.
Coding change: c.307C>T on transcript NM_182746.3 (MANE Select); coding-DNA position 307, C replaced by T.
Protein change: p.Pro103Ser; replaces proline 103 with serine.
Molecular consequence: missense variant.
Genome position (GRCh38, 1-based): chr8:47,962,124, C>T. VCF-style: chr8-47962124-C-T. GRCh37 (hg19) VCF-style: chr8-48874684-C-T.
Other names: c.307C>T, p.Pro103Ser (NM_005914.4); short protein forms P103S.
Identifiers: ClinVar variation 4725911 (VCV004725911.1).

ClinVar aggregate classification (germline): Uncertain significance (1 of 4 stars; one submission).

Submission:

Labcorp Genetics (formerly Invitae), Labcorp
Classification: Uncertain significance. Last evaluated: 2025-09-06. Review status: criteria provided, single submitter. Criteria: Invitae Variant Classification Sherloc (09022015). Collection method: clinical testing. Allele origin: germline.
Comment: This sequence change replaces proline, which is neutral and non-polar, with serine, which is neutral and polar, at codon 103 of the MCM4 protein (p.Pro103Ser). This variant is not present in population databases (gnomAD no frequency). This variant has not been reported in the literature in individuals affected with MCM4-related conditions. An algorithm developed to predict the effect of missense changes on protein structure and function (PolyPhen-2) suggests that this variant is likely to be disruptive. In summary, the available evidence is currently insufficient to determine the role of this variant in disease. Therefore, it has been classified as a Variant of Uncertain Significance.